The following is an entry in ClinVar:

ClinVar aggregate classification (germline): Likely benign. Review status: criteria provided, multiple submitters, no conflicts (2 of 4 stars). 3 submissions from 3 submitters: Likely benign (3). Last evaluated 2026-04-02.

Conditions:
Arrhythmogenic right ventricular dysplasia 5. Also called: Arrhythmogenic Right Ventricular Dysplasia/Cardiomyopathy 5; ARRHYTHMOGENIC RIGHT VENTRICULAR DYSPLASIA, FAMILIAL, 5. Identifiers: MedGen C1858379, MONDO:0011459, OMIM 604400.

gnomAD v4.1: 11 of 1,605,498 alleles (0.00069%); highest among the groups gnomAD compares: African/African-American, 0.015%; no homozygotes.

Submissions (3):

Women's Health and Genetics/Laboratory Corporation of America, LabCorp
Classification: Likely benign. Last evaluated: 2026-04-02. Review status: criteria provided, single submitter. Criteria: LabCorp Variant Classification Summary - May 2015. Collection method: clinical testing. Allele origin: germline.

Labcorp Genetics (formerly Invitae), Labcorp
Classification: Likely benign for Arrhythmogenic right ventricular dysplasia 5. Last evaluated: 2025-12-08. Review status: criteria provided, single submitter. Criteria: Invitae Variant Classification Sherloc (09022015). Collection method: clinical testing. Allele origin: germline.

GeneDx
Classification: Likely benign. Last evaluated: 2016-12-22. Review status: criteria provided, single submitter. Criteria: GeneDx Variant Classification (06012015). Collection method: clinical testing. Allele origin: germline. Affected: yes.
Comment: This variant is considered likely benign or benign based on one or more of the following criteria: it is a conservative change, it occurs at a poorly conserved position in the protein, it is predicted to be benign by multiple in silico algorithms, and/or has population frequency not consistent with disease.

NM_024334.3(TMEM43):c.512+19G>A

Gene: TMEM43 (transmembrane protein 43; plus strand). Cytogenetic location: 3p25.1.
Variant type: single nucleotide variant.
Coding change: c.512+19G>A on transcript NM_024334.3 (MANE Select); 19 bases into the intron after coding-DNA position 512, G replaced by A.
Molecular consequence: intron variant.
Genome position (GRCh38, 1-based): chr3:14,132,954, G>A. VCF-style: chr3-14132954-G-A. GRCh37 (hg19) VCF-style: chr3-14174454-G-A.
Identifiers: ClinVar variation 392088 (VCV000392088.9), dbSNP rs114026215, ClinGen allele CA054007.
Genomic context (GRCh38, chr3:14,132,954, plus strand): 5'-CAGCAAAAACTTCGACCGAGAGATTGGCCACAAAAACCCCAGGTGAGAGCCAGGCCCAAG[G>A]CCTGAGTGCAGCTTTGTCTACACTGGCAGGTCTCCAGCCTCAGTTTCTTCATCTGAATAA-3'